The following is an entry in ClinVar:

ClinVar aggregate classification (germline): Uncertain significance (1 of 4 stars; one submission).

Submission:

GeneDx
Classification: Uncertain significance. Last evaluated: 2024-07-23. Review status: criteria provided, single submitter. Criteria: GeneDx Variant Classification Process June 2021. Collection method: clinical testing. Allele origin: germline. Affected: yes.
Comment: Not observed at significant frequency in large population cohorts (gnomAD); In silico analysis indicates that this missense variant does not alter protein structure/function; Has not been previously published as pathogenic or benign to our knowledge

NM_001172509.2(SATB2):c.810G>C (p.Gln270His)

Gene: SATB2 (SATB homeobox 2; minus strand). Cytogenetic location: 2q33.1.
Variant type: single nucleotide variant.
Coding change: c.810G>C on transcript NM_001172509.2 (MANE Select); coding-DNA position 810, G replaced by C.
Protein change: p.Gln270His; replaces glutamine 270 with histidine.
Molecular consequence: missense variant.
Genome position (GRCh38, 1-based): chr2:199,349,064, C>G on the plus strand (G>C on the coding strand, the complement: SATB2 is on the minus strand). VCF-style: chr2-199349064-C-G. GRCh37 (hg19) VCF-style: chr2-200213787-C-G.
Other names: c.810G>C, p.Gln270His (NM_001172517.1, NM_015265.4); short protein forms Q270H.
Identifiers: ClinVar variation 3600797 (VCV003600797.1).